The following is an entry in ClinVar:

ClinVar aggregate classification (germline): Uncertain significance. Review status: criteria provided, multiple submitters, no conflicts (2 of 4 stars). 4 submissions from 4 submitters: Uncertain significance (3). 1 of the submissions does not count toward it. Last evaluated 2025-11-18.

Conditions:
Inborn genetic diseases. Identifiers: MedGen C0950123, MeSH D030342.
GDF6-related disorder. Also called: GDF6-related condition.
Klippel-Feil syndrome 1, autosomal dominant (KFS1). Also called: CERVICAL VERTEBRAL FUSION, AUTOSOMAL DOMINANT. Identifiers: Orphanet 2345, MedGen C1861689, MONDO:0007306, OMIM 118100.
Isolated microphthalmia 4. Identifiers: Orphanet 2542, MedGen C2751307, MONDO:0013130, OMIM 613094.
Leber congenital amaurosis 17 (LCA17). Identifiers: Orphanet 65, MedGen C3715164, MONDO:0014145, OMIM 615360.
Microphthalmia, isolated, with coloboma 6 (MCOPCB6). Also called: Microphthalmia with coloboma 6, digenic; Microphthalmia with coloboma 6; MICROPHTHALMIA/COLOBOMA 6. Identifiers: Orphanet 98938, MedGen C3150968, MONDO:0013376, OMIM 613703.

Allele frequency attached by ClinVar (database versions not stated): gnomAD 0.00014 and 0.00013; gnomAD exomes 0.00001 and 0.00002; ExAC 0.00005; TOPMed 0.00011.

Submissions (4):

Labcorp Genetics (formerly Invitae), Labcorp
Classification: Uncertain significance for Isolated microphthalmia 4; Leber congenital amaurosis 17; Klippel-Feil syndrome 1, autosomal dominant; Microphthalmia, isolated, with coloboma 6. Last evaluated: 2025-11-18. Review status: criteria provided, single submitter. Criteria: Invitae Variant Classification Sherloc (09022015). Collection method: clinical testing. Allele origin: germline.
Comment: This sequence change replaces methionine, which is neutral and non-polar, with threonine, which is neutral and polar, at codon 293 of the GDF6 protein (p.Met293Thr). The frequency data for this variant in the population databases is considered unreliable, as metrics indicate poor data quality at this position in the gnomAD database. This variant has not been reported in the literature in individuals affected with GDF6-related conditions. ClinVar contains an entry for this variant (Variation ID: 959329). Invitae Evidence Modeling of protein sequence and biophysical properties (such as structural, functional, and spatial information, amino acid conservation, physicochemical variation, residue mobility, and thermodynamic stability) indicates that this missense variant is not expected to disrupt GDF6 protein function with a negative predictive value of 80%. In summary, the available evidence is currently insufficient to determine the role of this variant in disease. Therefore, it has been classified as a Variant of Uncertain Significance.

Ambry Genetics
Classification: Uncertain significance for Inborn genetic diseases. Last evaluated: 2025-09-11. Review status: criteria provided, single submitter. Criteria: Ambry Variant Classification Scheme 2023. Collection method: clinical testing. Allele origin: germline.

GeneDx
Classification: Uncertain significance. Last evaluated: 2023-05-01. Review status: criteria provided, single submitter. Criteria: GeneDx Variant Classification Process June 2021. Collection method: clinical testing. Allele origin: germline. Affected: yes.
Comment: Has not been previously published as pathogenic or benign to our knowledge; In silico analysis supports that this missense variant has a deleterious effect on protein structure/function

PreventionGenetics, part of Exact Sciences
Classification: Uncertain significance for GDF6-related condition. Last evaluated: 2024-02-08. Review status: no assertion criteria provided. Collection method: clinical testing. Allele origin: germline. Not counted in ClinVar's aggregate classification.
Comment: The GDF6 c.878T>C variant is predicted to result in the amino acid substitution p.Met293Thr. To our knowledge, this variant has not been reported in the literature. This variant is reported in 0.047% of alleles in individuals of African descent in gnomAD. At this time, the clinical significance of this variant is uncertain due to the absence of conclusive functional and genetic evidence.

NM_001001557.4(GDF6):c.878T>C (p.Met293Thr)

Gene: GDF6 (growth differentiation factor 6; minus strand). Cytogenetic location: 8q22.1.
Variant type: single nucleotide variant.
Coding change: c.878T>C on transcript NM_001001557.4 (MANE Select); coding-DNA position 878, T replaced by C.
Protein change: p.Met293Thr; replaces methionine 293 with threonine.
Molecular consequence: missense variant.
Genome position (GRCh38, 1-based): chr8:96,145,053, A>G on the plus strand (T>C on the coding strand, the complement: GDF6 is on the minus strand). VCF-style: chr8-96145053-A-G. GRCh37 (hg19) VCF-style: chr8-97157281-A-G.
Other names: c.878T>C (NM_001001557.3); short protein forms M293T.
Identifiers: ClinVar variation 959329 (VCV000959329.13), dbSNP rs762304422, ClinGen allele CA4815395.